The following is an entry in ClinVar:

NM_015627.3(LDLRAP1):c.59A>C (p.Gln20Pro)

Genes: LDLRAP1 (low density lipoprotein receptor adaptor protein 1; plus strand), LOC129929773 (ATAC-STARR-seq lymphoblastoid silent region 456; plus strand). Cytogenetic location: 1p36.11.
Variant type: single nucleotide variant.
Coding change: c.59A>C on transcript NM_015627.3 (MANE Select); coding-DNA position 59, A replaced by C.
Protein change: p.Gln20Pro; replaces glutamine 20 with proline.
Molecular consequence: missense variant.
Genome position (GRCh38, 1-based): chr1:25,543,757, A>C. VCF-style: chr1-25543757-A-C. GRCh37 (hg19) VCF-style: chr1-25870248-A-C.
Other names: short protein forms Q20P.
Identifiers: ClinVar variation 2448691 (VCV002448691.2), dbSNP rs2523873431, ClinGen allele CA339076664.

ClinVar aggregate classification (germline): Uncertain significance (1 of 4 stars; one submission).

Conditions:
Cardiovascular phenotype. Identifiers: MedGen CN230736.

Submission:

Ambry Genetics
Classification: Uncertain significance for Cardiovascular phenotype. Last evaluated: 2022-12-14. Review status: criteria provided, single submitter. Criteria: Ambry Variant Classification Scheme 2023. Collection method: clinical testing. Allele origin: germline.
Comment: The p.Q20P variant (also known as c.59A>C), located in coding exon 1 of the LDLRAP1 gene, results from an A to C substitution at nucleotide position 59. The glutamine at codon 20 is replaced by proline, an amino acid with similar properties. This amino acid position is conserved. In addition, this alteration is predicted to be tolerated by in silico analysis. Since supporting evidence is limited at this time, the clinical significance of this alteration remains unclear.